The following is an entry in ClinVar:

ClinVar aggregate classification (germline): Likely pathogenic (1 of 4 stars; one submission).

Conditions:
Hearing loss, autosomal recessive 112. Also called: DEAFNESS, AUTOSOMAL RECESSIVE 112. Identifiers: MedGen C4748855, MONDO:0032639, OMIM 618257.

Submission:

Department of Otolaryngology-Head and Neck Surgery, Shanghai Jiao Tong University Affiliated Sixth People’s Hospital
Classification: Likely pathogenic for Hearing loss, autosomal recessive 112. Last evaluated: 2026-01-10. Review status: criteria provided, single submitter. Criteria: ACMG Guidelines, 2015. Collection method: provider interpretation. Allele origin: germline. Inheritance: Autosomal recessive inheritance. Affected: yes. Observed: 1 variant allele, 1 compound heterozygote.
Comment: Variant 1: BDP1 (NM_018429.3): c.5743del p.(Ser1915LeufsTer13) [submitted]. Variant 2: BDP1 (NM_018429.2): c.7254_7258delinsAATATCAT p.(Gly2419_Gln2420delinsIleSerTer). Pathogenic variants in the BDP1 gene are associated with autosomal recessive nonsyndromic hearing loss (DFNB49/112). ACMG Evidence for Variant 2: PVS1: This variant is predicted to result in loss of gene function. At the protein level, the original glycine (Gly) at position 2419 and glutamine (Gln) at position 2420 are replaced by the new sequence "Isoleucine-Serine-Stop codon" (Ile-Ser-Ter). Since 8 nucleotides are inserted while 5 are deleted, the net change of 3 nucleotides does not shift the global reading frame; it represents a special form of in-frame deletion/insertion that directly introduces a premature termination codon (Ter). Consequently, the protein is predicted to terminate at position 2421 (Ile-2419, Ser-2420, Ter-2421). Given the normal protein length of approximately 2625 amino acids, this change truncates the C-terminus by more than 200 residues (~7.8%). The premature stop codon is expected to trigger nonsense-mediated mRNA decay (NMD) or produce a truncated, nonfunctional protein. PM2: The variant is absent (allele frequency 0) in multiple population databases. Classification: According to the ACMG/AMP guidelines, this variant is classified as Likely Pathogenic.he above classification is based on the submitted evidence.

Literature cited by the submitters: PubMed 24312468.

NM_018429.3(BDP1):c.7254_7258delinsAATATCAT (p.Gly2419_Gln2420delinsIleSerTer)

Gene: BDP1 (BDP1 general transcription factor IIIB subunit; plus strand). Cytogenetic location: 5q13.2.
Variant type: Indel.
Coding change: c.7254_7258delinsAATATCAT on transcript NM_018429.3 (MANE Select); coding-DNA positions 7254 to 7258, GGGAC replaced by AATATCAT.
Protein change: p.Gly2419_Gln2420delinsIleSerTer.
Molecular consequence: nonsense.
Genome position (GRCh38, 1-based): chr5:71,559,995-71,559,999, GGGAC replaced by AATATCAT. VCF-style: chr5-71559995-GGGAC-AATATCAT. GRCh37 (hg19) VCF-style: chr5-70855822-GGGAC-AATATCAT.
Identifiers: ClinVar variation 4688031 (VCV004688031.1).